The following is an entry in ClinVar:

ClinVar aggregate classification (germline): Benign/Likely benign. Review status: criteria provided, multiple submitters, no conflicts (2 of 4 stars). 4 submissions from 4 submitters: Benign (2); Likely benign (1). 1 of the submissions does not count toward it. Last evaluated 2025-12-18.

Conditions:
KIZ-related disorder. Also called: KIZ-related condition.

Allele frequency attached by ClinVar (database versions not stated): gnomAD exomes 0.00032 and 0.00067; gnomAD 0.00035 and 0.00036; TOPMed 0.00046; ExAC 0.00050; ESP Exome Variant Server 0.00050.
gnomAD v4.1: 585 of 1,613,718 alleles (0.036%); highest among the groups gnomAD compares: Admixed American, 0.012%; 5 homozygotes.

Submissions (4):

Labcorp Genetics (formerly Invitae), Labcorp
Classification: Benign. Last evaluated: 2025-12-18. Review status: criteria provided, single submitter. Criteria: Invitae Variant Classification Sherloc (09022015). Collection method: clinical testing. Allele origin: germline.

Blueprint Genetics
Classification: Likely benign. Last evaluated: 2024-10-31. Review status: criteria provided, single submitter. Criteria: ACMG Guidelines, 2015. Collection method: clinical testing. Allele origin: germline.

Breakthrough Genomics
Classification: Benign. Review status: criteria provided, single submitter. Criteria: ACMG Guidelines, 2015. Collection method: not provided. Allele origin: germline. Inheritance: Autosomal recessive inheritance. Affected: yes.

PreventionGenetics, part of Exact Sciences
Classification: Benign for KIZ-related condition. Last evaluated: 2019-08-05. Review status: no assertion criteria provided. Collection method: clinical testing. Allele origin: germline. Not counted in ClinVar's aggregate classification.
Comment: This variant is classified as benign based on ACMG/AMP sequence variant interpretation guidelines (Richards et al. 2015 PMID: 25741868, with internal and published modifications).

NM_018474.6(KIZ):c.914C>A (p.Thr305Lys)

Gene: KIZ (kizuna centrosomal protein; plus strand). Cytogenetic location: 20p11.23.
Variant type: single nucleotide variant.
Coding change: c.914C>A on transcript NM_018474.6 (MANE Select); coding-DNA position 914, C replaced by A.
Protein change: p.Thr305Lys; replaces threonine 305 with lysine.
Molecular consequence: missense variant.
Genome position (GRCh38, 1-based): chr20:21,162,379, C>A. VCF-style: chr20-21162379-C-A. GRCh37 (hg19) VCF-style: chr20-21143020-C-A.
Other names: c.914C>A (NM_018474.5); c.605C>A, p.Thr202Lys (NM_001163022.3, NM_001352435.2); c.515C>A, p.Thr172Lys (NM_001163023.3); c.767C>A, p.Thr256Lys (NM_001276389.2); c.914C>A, p.Thr305Lys (NM_001352434.2); c.572C>A, p.Thr191Lys (NM_001352436.2); short protein forms T172K, T191K, T202K, T256K, T305K.
Identifiers: ClinVar variation 1166579 (VCV001166579.13), dbSNP rs200799486, ClinGen allele CA9784731.